The following is an entry in ClinVar:

ClinVar aggregate classification (germline): Uncertain significance (1 of 4 stars; one submission).

Conditions:
Familial adenomatous polyposis 1 (FAP1). Also called: POLYPOSIS, ADENOMATOUS INTESTINAL; FAMILIAL ADENOMATOUS POLYPOSIS 1, ATTENUATED. Identifiers: MedGen C2713442, MONDO:0021056, OMIM 175100. Disease mechanism: loss of function.

Submission:

Labcorp Genetics (formerly Invitae), Labcorp
Classification: Uncertain significance for Familial adenomatous polyposis 1. Last evaluated: 2021-12-24. Review status: criteria provided, single submitter. Criteria: Invitae Variant Classification Sherloc (09022015). Collection method: clinical testing. Allele origin: germline.
Comment: This sequence change replaces glycine, which is neutral and non-polar, with aspartic acid, which is acidic and polar, at codon 974 of the APC protein (p.Gly974Asp). This variant is not present in population databases (gnomAD no frequency). This variant has not been reported in the literature in individuals affected with APC-related conditions. Algorithms developed to predict the effect of missense changes on protein structure and function are either unavailable or do not agree on the potential impact of this missense change (SIFT: "Tolerated"; PolyPhen-2: "Probably Damaging"; Align-GVGD: "Class C0"). In summary, the available evidence is currently insufficient to determine the role of this variant in disease. Therefore, it has been classified as a Variant of Uncertain Significance.

NM_000038.6(APC):c.2921G>A (p.Gly974Asp)

Gene: APC (APC regulator of Wnt signaling pathway; plus strand). Cytogenetic location: 5q22.2.
Variant type: single nucleotide variant.
Coding change: c.2921G>A on transcript NM_000038.6 (MANE Select); coding-DNA position 2921, G replaced by A.
Protein change: p.Gly974Asp; replaces glycine 974 with aspartic acid.
Molecular consequence: missense variant.
Genome position (GRCh38, 1-based): chr5:112,838,515, G>A. VCF-style: chr5-112838515-G-A. GRCh37 (hg19) VCF-style: chr5-112174212-G-A.
Other names: c.2921G>A, p.Gly974Asp (NM_001127510.3, NM_001354895.2, NM_001407450.1); c.2867G>A, p.Gly956Asp (NM_001127511.3); c.2975G>A, p.Gly992Asp (NM_001354896.2, NM_001407447.1, NM_001407448.1 and 1 more transcripts); c.2951G>A, p.Gly984Asp (NM_001354897.2); c.2846G>A, p.Gly949Asp (NM_001354898.2); c.2837G>A, p.Gly946Asp (NM_001354899.2); c.2798G>A, p.Gly933Asp (NM_001354900.2); c.2744G>A, p.Gly915Asp (NM_001354901.2, NM_001407453.1); and 11 more; short protein forms G845D, G848D, G891D, G949D, G984D, G992D, G1002D, G814D.
Identifiers: ClinVar variation 2058749 (VCV002058749.4), dbSNP rs2149880208, ClinGen allele CA16027713.